The following is an entry in ClinVar:

NM_000152.5(GAA):c.2227C>T (p.Gln743Ter)

Gene: GAA (alpha glucosidase; plus strand). Cytogenetic location: 17q25.3.
Variant type: single nucleotide variant.
Coding change: c.2227C>T on transcript NM_000152.5 (MANE Select); coding-DNA position 2227, C replaced by T.
Protein change: p.Gln743Ter; replaces glutamine 743 with a stop codon.
Molecular consequence: nonsense.
Genome position (GRCh38, 1-based): chr17:80,117,005, C>T. VCF-style: chr17-80117005-C-T. GRCh37 (hg19) VCF-style: chr17-78090804-C-T.
Other names: NM_000152.5(GAA):c.2227C>T; p.Gln743Ter; c.2227C>T (LRG_673t1); c.2227C>T, p.Gln743Ter (NM_001079803.3, NM_001079804.3); short protein forms Q743*.
Identifiers: ClinVar variation 370157 (VCV000370157.21), dbSNP rs1057516277, ClinGen allele CA16041902.

ClinVar aggregate classification (germline): Pathogenic. Review status: reviewed by expert panel (3 of 4 stars). 8 submissions from 8 submitters: Pathogenic (1). 7 of the submissions do not count toward it. Last evaluated 2026-07-10.

Conditions:
Glycogen storage disease, type II (IOPD). Also called: POMPE DISEASE, INFANTILE-ONSET; GLYCOGEN STORAGE DISEASE II, INFANTILE-ONSET; ACID ALPHA-GLUCOSIDASE DEFICIENCY, INFANTILE-ONSET; GAA DEFICIENCY, INFANTILE-ONSET; ACID MALTASE DEFICIENCY, INFANTILE-ONSET; Pompe Disease. Identifiers: Orphanet 365, MedGen C0017921, MONDO:0009290, OMIM 232300.

gnomAD v4.1: 13 of 1,613,794 alleles (0.00081%); highest among the groups gnomAD compares: Non-Finnish European, 0.0011%; no homozygotes.

Submissions (8):

ClinGen Lysosomal Storage Disorder Variant Curation Expert Panel
Classification: Pathogenic for Glycogen storage disease, type II. Last evaluated: 2026-07-10. Review status: reviewed by expert panel. Criteria: clingen_lsd_acmg_specifications_v2-1. Collection method: curation. Allele origin: germline. Inheritance: Autosomal recessive inheritance.
Comment: NM_000152.5:c.2227C>T (p.Gln743Ter) variant in GAA is a nonsense variant predicted to cause a premature stop codon in biologically-relevant-exon 16 out of a total of 20 exons, leading to nonsense mediated decay in a gene in which loss-of-function is an established disease mechanism (PVS1). At least 3 patients with the variant and symptoms consistent with infantile onset Pompe disease have been described with either documented values showing deficiency of GAA activity and/or CRIM-negative, and/or on enzyme replacement therapy (PMID: 32849613, 33495531, 38250073, 35787971, 38948331; PMID: 3307300; PMID: 25687635, 29205646), and another patients has been reported with onset of symptoms in childhood (MID: 18285536) (PP4_Moderate). One of these patients is compound heterozygous for the variant and another variant in GAA that has been classified as pathogenic for Pompe disease by the ClinGen LD VCEP, c.258dupC, phase unconfirmed (PMID: 32849613, 33495531, 38250073, 35787971, 38948331) (0.5 points). The other patients are compound heterozygous for the variant and either c.1437+1G>A (PMID: 33073003), c.1210G>A (p.Asp404Asn) (PMID: 25687635, 29205646), or c.461G>C (p.Arg154Pro) (PMID: 18285536). The allelic data from these patients may be used in the classification of the second variant and is not included here to avoid circular logic. Total 0.5 points (PM3_Supporting). The highest population minor allele frequency in gnomAD v4.1.0. is 0.00001102 (13/1180026 alleles) in the European non-Finnish population, which is lower than the ClinGen Lysosomal Diseases VCEP’s threshold for PM2_Supporting (<0.001), meeting this criterion (PM2_Supporting). There is a ClinVar entry for this variant (Variation ID: 370157). In summary, this variant meets the criteria to be classified as Pathogenic for Pompe disease. GAA-specific ACMG/AMP criteria applied, as specified by the ClinGen Lysosomal Diseases Variant Curation Expert Panel (Specifications Version 2.0): PVS1, PP4_Moderate, PM2_Supporting, PM3_Supporting. (Classification approved by the ClinGen Lysosomal Diseases Variant Curation Expert Panel on July 10, 2026)

Genomenon, Inc
Classification: Pathogenic for Glycogen storage disease, type II. Last evaluated: 2026-07-01. Review status: criteria provided, single submitter. Criteria: Genomenon Sequence Variant Interpretation Standards - Updated. Collection method: curation. Allele origin: germline. Affected: yes. Not counted in ClinVar's aggregate classification.
Comment: GAA p.Gln743Ter (c.2227C>T) is a nonsense variant that introduces a premature stop codon at amino acid position 743 and is predicted to result in a truncated or absent protein product. This variant has been observed in at least one proband with a GAA-related disorder (PMID:35787971;33073003;29205646;25687635;28814660;28196920). It is absent or not present at a significant frequency in gnomAD. In conclusion, we classify GAA p.Gln743Ter (c.2227C>T) as a pathogenic variant.

Labcorp Genetics (formerly Invitae), Labcorp
Classification: Pathogenic for Glycogen storage disease, type II. Last evaluated: 2023-09-29. Review status: criteria provided, single submitter. Criteria: Invitae Variant Classification Sherloc (09022015). Collection method: clinical testing. Allele origin: germline. Not counted in ClinVar's aggregate classification.
Comment: For these reasons, this variant has been classified as Pathogenic. ClinVar contains an entry for this variant (Variation ID: 370157). This premature translational stop signal has been observed in individual(s) with glycogen storage disease (PMID: 18285536). This sequence change creates a premature translational stop signal (p.Gln743*) in the GAA gene. It is expected to result in an absent or disrupted protein product. Loss-of-function variants in GAA are known to be pathogenic (PMID: 18425781, 22252923). This variant is not present in population databases (gnomAD no frequency).

3billion
Classification: Pathogenic for Glycogen storage disease, type II. Last evaluated: 2023-08-18. Review status: criteria provided, single submitter. Criteria: ACMG Guidelines, 2015. Collection method: clinical testing. Allele origin: germline. Affected: yes. Not counted in ClinVar's aggregate classification.
Comment: The variant is not observed in the gnomAD v2.1.1 dataset. Predicted Consequence/Location: Stop-gained (nonsense): predicted to result in a loss or disruption of normal protein function through nonsense-mediated decay (NMD) or protein truncation. Multiple pathogenic variants are reported downstream of the variant. The variant has been reported at least twice as pathogenic with clinical assertions and evidence for the classification (ClinVar ID: VCV000370157 /PMID: 18285536). Therefore, this variant is classified as Pathogenic according to the recommendation of ACMG/AMP guideline.

Baylor Genetics
Classification: Pathogenic for Glycogen storage disease, type II. Last evaluated: 2023-02-26. Review status: criteria provided, single submitter. Criteria: ACMG Guidelines, 2015. Collection method: clinical testing. Allele origin: unknown. Not counted in ClinVar's aggregate classification.

Department of Pathology and Laboratory Medicine, Sinai Health System
Classification: Pathogenic for Glycogen storage disease, type II. Last evaluated: 2021-07-30. Review status: criteria provided, single submitter. Criteria: ACMG Guidelines, 2015. Collection method: research. Allele origin: germline. Not counted in ClinVar's aggregate classification.

Juno Genomics, Hangzhou Juno Genomics, Inc
Classification: Pathogenic for Glycogen storage disease, type II. Review status: criteria provided, single submitter. Criteria: ACMG Guidelines, 2015. Collection method: clinical testing. Allele origin: germline. Not counted in ClinVar's aggregate classification.
Comment: Absent from controls (or at extremely low frequency if recessive) in Genome Aggregation Database.;Null variant in a gene where loss of function (LOF) is a known mechanism of disease.;For recessive disorders, detected in trans with a pathogenic variant.

Counsyl
Classification: Likely pathogenic for Glycogen storage disease, type II. Last evaluated: 2016-09-09. Review status: no assertion criteria provided. Collection method: clinical testing. Allele origin: unknown. Not counted in ClinVar's aggregate classification.

Literature cited by the submitters: PubMed 35787971 (cited by Genomenon, Inc); PubMed 33073003 (cited by Genomenon, Inc); PubMed 29205646 (cited by Genomenon, Inc); PubMed 25687635 (cited by Genomenon, Inc); PubMed 28814660 (cited by Genomenon, Inc); PubMed 28196920 (cited by Genomenon, Inc); PubMed 18285536 (cited by 3 submitters); PubMed 18425781 (cited by Labcorp Genetics (formerly Invitae), Labcorp); PubMed 22252923 (cited by Labcorp Genetics (formerly Invitae), Labcorp).